The following is an entry in ClinVar:

ClinVar aggregate classification (germline): Likely benign. Review status: criteria provided, multiple submitters, no conflicts (2 of 4 stars). 2 submissions from 2 submitters: Likely benign (2). Last evaluated 2026-09-01.

Allele frequency attached by ClinVar (database versions not stated): ExAC 0.00002; gnomAD exomes 0.00006 and 0.00011; gnomAD 0.00009; TOPMed 0.00013.
gnomAD v4.1: 175 of 1,613,896 alleles (0.011%); highest among the groups gnomAD compares: Middle Eastern, 0.033%; no homozygotes.

Submissions (2):

CeGaT Center for Human Genetics Tuebingen
Classification: Likely benign. Last evaluated: 2026-09-01. Review status: criteria provided, single submitter. Criteria: CeGaT Center For Human Genetics Tuebingen Variant Classification Criteria Version 2. Collection method: clinical testing. Allele origin: germline. Affected: yes. Observed: 2 variant alleles.
Comment: SRRM2: BP4, BP7

Labcorp Genetics (formerly Invitae), Labcorp
Classification: Likely benign. Last evaluated: 2017-06-08. Review status: criteria provided, single submitter. Criteria: Invitae Variant Classification Sherloc (09022015). Collection method: clinical testing. Allele origin: germline.

NM_016333.4(SRRM2):c.327G>A (p.Glu109=)

Genes: SRRM2 (serine/arginine repetitive matrix 2; plus strand), LOC126862261 (BRD4-independent group 4 enhancer GRCh37_chr16:2807529-2808728; plus strand). Cytogenetic location: 16p13.3.
Variant type: single nucleotide variant.
Coding change: c.327G>A on transcript NM_016333.4 (MANE Select); coding-DNA position 327, G replaced by A.
Protein change: p.Glu109=; no amino-acid change (glutamic acid 109 retained).
Molecular consequence: synonymous variant.
Genome position (GRCh38, 1-based): chr16:2,757,556, G>A. VCF-style: chr16-2757556-G-A. GRCh37 (hg19) VCF-style: chr16-2807557-G-A.
Identifiers: ClinVar variation 773053 (VCV000773053.7), dbSNP rs753162407, ClinGen allele CA7846718.